The following is an entry in ClinVar:

NM_001042492.3(NF1):c.4350C>T (p.Ala1450=)

Gene: NF1 (neurofibromin 1; plus strand). Cytogenetic location: 17q11.2.
Variant type: single nucleotide variant.
Coding change: c.4350C>T on transcript NM_001042492.3 (MANE Select); coding-DNA position 4350, C replaced by T.
Protein change: p.Ala1450=; no amino-acid change (alanine 1450 retained).
Molecular consequence: synonymous variant.
Genome position (GRCh38, 1-based): chr17:31,259,049, C>T. VCF-style: chr17-31259049-C-T. GRCh37 (hg19) VCF-style: chr17-29586067-C-T.
Other names: c.4287C>T, p.Ala1429= (NM_000267.4).
Identifiers: ClinVar variation 481957 (VCV000481957.13), dbSNP rs752055412, ClinGen allele CA499233585.
Genomic context (GRCh38, chr17:31,259,049, plus strand): 5'-CAATAAATAATCTGATTATTTATAACCCTGTTTTATTGTGTAGATACTTCAGAGTATTGC[C>T]AATCATGTTCTCTTCACAAAAGAAGAACATATGCGGCCTTTCAATGATTTTGTGAAAAGC-3'
Protein context (NP_001035957.1, residues 1440-1460): KLMSKILQSI[Ala1450=]NHVLFTKEEH

ClinVar aggregate classification (germline): Benign/Likely benign. Review status: criteria provided, multiple submitters, no conflicts (2 of 4 stars). 4 submissions from 4 submitters: Benign (1); Likely benign (3). Last evaluated 2026-05-19.

Conditions:
Hereditary cancer-predisposing syndrome. Also called: Hereditary neoplastic syndrome; Neoplastic Syndromes, Hereditary; Hereditary Cancer Syndrome; Tumor predisposition. Identifiers: Orphanet 140162, MedGen C0027672, MeSH D009386, MONDO:0015356.
Cardiovascular phenotype. Identifiers: MedGen CN230736.
Neurofibromatosis, type 1 (NF1). Also called: Peripheral type neurofibromatosis; Neurofibromatosis, type I; VON RECKLINGHAUSEN DISEASE; NEUROFIBROMATOSIS, TYPE I, SOMATIC. Identifiers: Orphanet 636, MedGen C0027831, MONDO:0018975, OMIM 162200. Disease mechanism: loss of function.

Submissions (4):

Myriad Genetics, Inc.
Classification: Benign for Neurofibromatosis, type 1. Last evaluated: 2026-05-19. Review status: criteria provided, single submitter. Criteria: Myriad Autosomal Dominant, Autosomal Recessive and X-Linked Classification Criteria (2023). Collection method: clinical testing. Allele origin: unknown.
Comment: This variant is considered benign. This variant is a silent/synonymous amino acid change and it is not expected to impact splicing.

Labcorp Genetics (formerly Invitae), Labcorp
Classification: Likely benign for Neurofibromatosis, type 1. Last evaluated: 2025-11-12. Review status: criteria provided, single submitter. Criteria: Invitae Variant Classification Sherloc (09022015). Collection method: clinical testing. Allele origin: germline.

Genome-Nilou Lab
Classification: Likely benign for Neurofibromatosis, type 1. Last evaluated: 2022-03-15. Review status: criteria provided, single submitter. Criteria: ACMG Guidelines, 2015. Collection method: clinical testing. Allele origin: germline. Affected: no.

Ambry Genetics
Classification: Likely benign for Cardiovascular phenotype; Hereditary cancer-predisposing syndrome. Last evaluated: 2016-10-10. Review status: criteria provided, single submitter. Criteria: Ambry Variant Classification Scheme 2023. Collection method: clinical testing. Allele origin: germline.